The following is an entry in ClinVar:

ClinVar aggregate classification (germline): Uncertain significance (1 of 4 stars; one submission).

gnomAD v4.1: 3 of 1,613,668 alleles (0.00019%); highest among the groups gnomAD compares: African/African-American, 0.0027%; no homozygotes.

Submission:

Labcorp Genetics (formerly Invitae), Labcorp
Classification: Uncertain significance. Last evaluated: 2025-01-07. Review status: criteria provided, single submitter. Criteria: Invitae Variant Classification Sherloc (09022015). Collection method: clinical testing. Allele origin: germline.
Comment: This sequence change replaces leucine, which is neutral and non-polar, with valine, which is neutral and non-polar, at codon 1757 of the FOCAD protein (p.Leu1757Val). This variant is present in population databases (rs193279454, gnomAD 0.01%). This variant has not been reported in the literature in individuals affected with FOCAD-related conditions. Experimental studies and prediction algorithms are not available or were not evaluated, and the functional significance of this variant is currently unknown. In summary, the available evidence is currently insufficient to determine the role of this variant in disease. Therefore, it has been classified as a Variant of Uncertain Significance.

NM_001375567.1(FOCAD):c.5269C>G (p.Leu1757Val)

Gene: FOCAD (focadhesin; plus strand). Cytogenetic location: 9p21.3.
Variant type: single nucleotide variant.
Coding change: c.5269C>G on transcript NM_001375567.1 (MANE Select); coding-DNA position 5269, C replaced by G.
Protein change: p.Leu1757Val; replaces leucine 1757 with valine.
Molecular consequence: missense variant.
Genome position (GRCh38, 1-based): chr9:20,993,265, C>G. VCF-style: chr9-20993265-C-G. GRCh37 (hg19) VCF-style: chr9-20993264-C-G.
Other names: c.5164C>G, p.Leu1722Val (NM_001375568.1, NM_001375570.1); c.5269C>G, p.Leu1757Val (NM_017794.5); short protein forms L1722V, L1757V.
Identifiers: ClinVar variation 3624988 (VCV003624988.2).